The following is an entry in ClinVar:

NM_022166.4(XYLT1):c.436G>A (p.Val146Met)

Genes: XYLT1 (xylosyltransferase 1; minus strand), LOC130058566 (ATAC-STARR-seq lymphoblastoid active region 10505; plus strand). Cytogenetic location: 16p12.3.
Variant type: single nucleotide variant.
Coding change: c.436G>A on transcript NM_022166.4 (MANE Select); coding-DNA position 436, G replaced by A.
Protein change: p.Val146Met; replaces valine 146 with methionine.
Molecular consequence: missense variant.
Genome position (GRCh38, 1-based): chr16:17,259,465, C>T on the plus strand (G>A on the coding strand, the complement: XYLT1 is on the minus strand). VCF-style: chr16-17259465-C-T. GRCh37 (hg19) VCF-style: chr16-17353322-C-T.
Other names: short protein forms V146M.
Identifiers: ClinVar variation 1036214 (VCV001036214.9), dbSNP rs2033689677, ClinGen allele CA394893046.
Genomic context (GRCh38, chr16:17,259,465, plus strand): 5'-TGTTGTCGACATTCTCAAAGTCTTTGGGGACAGAGTTCTCGTTGTTGCTGTCTGTTCGCA[C>T]TTTCTCTTTCGGCCGATGAGAAAAGTAGCCATCCTGGAGAAGAGGGGAGAGAAACAGAAG-3'
Protein context (NP_071449.1, residues 136-156): GYFSHRPKEK[Val146Met]RTDSNNENSV

ClinVar aggregate classification (germline): Uncertain significance (1 of 4 stars; one submission).

Conditions:
Desbuquois dysplasia 1 (DBQD1). Also called: DESBUQUOIS DYSPLASIA 1, KIM VARIANT; MICROMELIC DWARFISM WITH VERTEBRAL AND METAPHYSEAL ABNORMALITIES AND ADVANCED CARPOTARSAL OSSIFICATION. Identifiers: Orphanet 1425, MedGen C4012146, MONDO:0009629, OMIM 251450.

gnomAD v4.1: 1 of 1,611,506 alleles (0.000062%); highest among the groups gnomAD compares: Non-Finnish European, 0.000085%; no homozygotes.

Submission:

Labcorp Genetics (formerly Invitae), Labcorp
Classification: Uncertain significance for Desbuquois dysplasia 1. Last evaluated: 2023-10-28. Review status: criteria provided, single submitter. Criteria: Invitae Variant Classification Sherloc (09022015). Collection method: clinical testing. Allele origin: germline.
Comment: This sequence change replaces valine, which is neutral and non-polar, with methionine, which is neutral and non-polar, at codon 146 of the XYLT1 protein (p.Val146Met). This variant is not present in population databases (gnomAD no frequency). This variant has not been reported in the literature in individuals affected with XYLT1-related conditions. ClinVar contains an entry for this variant (Variation ID: 1036214). Algorithms developed to predict the effect of missense changes on protein structure and function output the following: SIFT: "Not Available"; PolyPhen-2: "Benign"; Align-GVGD: "Not Available". The methionine amino acid residue is found in multiple mammalian species, which suggests that this missense change does not adversely affect protein function. In summary, the available evidence is currently insufficient to determine the role of this variant in disease. Therefore, it has been classified as a Variant of Uncertain Significance.